The following is an entry in ClinVar:

ClinVar aggregate classification (germline): Benign. Review status: criteria provided, multiple submitters, no conflicts (2 of 4 stars). 4 submissions from 4 submitters: Benign (3). 1 of the submissions does not count toward it. Last evaluated 2018-01-12.

Conditions:
Pyruvate dehydrogenase complex deficiency (PDHC). Also called: Pyruvate Dehydrogenase Complex Deficiency Disease; Pyruvate dehydrogenase deficiency; Ataxia with lactic acidosis 1; PYRUVATE DECARBOXYLASE DEFICIENCY; PDH DEFICIENCY. Identifiers: Orphanet 765, Orphanet 79243, MedGen C0034345, MONDO:0019169.
Pyruvate dehydrogenase E1-alpha deficiency (PDHAD). Also called: ATAXIA, INTERMITTENT, WITH PYRUVATE DEHYDROGENASE DEFICIENCY; ATAXIA WITH LACTIC ACIDOSIS I; ATAXIA, INTERMITTENT, WITH ABNORMAL PYRUVATE METABOLISM; Ataxia, intermittent, with pyruvate dehydrogenase, or decarboxylase, deficiency. Identifiers: Orphanet 79243, MedGen C1839413, MONDO:0010717, OMIM 312170.

Allele frequency attached by ClinVar (database versions not stated): gnomAD exomes 0.06797; ExAC 0.17901; TOPMed 0.24381; 1000 Genomes Project 0.24689; 1000 Genomes Project 30x 0.25536.

Submissions (4):

Illumina Laboratory Services, Illumina
Classification: Benign for Pyruvate dehydrogenase E1-alpha deficiency. Last evaluated: 2018-01-12. Review status: criteria provided, single submitter. Criteria: ICSL Variant Classification Criteria 13 December 2019. Collection method: clinical testing. Allele origin: germline.
Comment: This variant was observed in the ICSL laboratory as part of a predisposition screen in an ostensibly healthy population. It had not been previously curated by ICSL or reported in the Human Gene Mutation Database (HGMD: prior to June 1st, 2018), and was therefore a candidate for classification through an automated scoring system. Utilizing variant allele frequency, disease prevalence and penetrance estimates, and inheritance mode, an automated score was calculated to assess if this variant is too frequent to cause the disease. Based on the score and internal cut-off values, a variant classified as benign is not then subjected to further curation. The score for this variant resulted in a classification of benign for this disease.

GeneDx
Classification: Benign. Last evaluated: 2015-03-03. Review status: criteria provided, single submitter. Criteria: GeneDx Variant Classification Process June 2021. Collection method: clinical testing. Allele origin: germline. Affected: yes.

Breakthrough Genomics
Classification: Benign. Review status: criteria provided, single submitter. Criteria: ACMG Guidelines, 2015. Collection method: not provided. Allele origin: germline. Inheritance: X-linked inheritance. Affected: yes.

Natera, Inc.
Classification: Benign for Pyruvate decarboxylase deficiency. Last evaluated: 2019-08-29. Review status: no assertion criteria provided. Collection method: clinical testing. Allele origin: germline. Not counted in ClinVar's aggregate classification.

NM_000284.4(PDHA1):c.*110C>T

Gene: PDHA1 (pyruvate dehydrogenase E1 subunit alpha 1; plus strand). Cytogenetic location: Xp22.12.
Variant type: single nucleotide variant.
Coding change: c.*110C>T on transcript NM_000284.4 (MANE Select); 110 bases downstream of the stop codon, C replaced by T.
Molecular consequence: 3 prime UTR variant.
Genome position (GRCh38, 1-based): chrX:19,359,763, C>T. VCF-style: chrX-19359763-C-T. GRCh37 (hg19) VCF-style: chrX-19377881-C-T.
Other names: c.*110C>T (NM_001173454.2, NM_001173455.2, NM_001173456.2).
Identifiers: ClinVar variation 912975 (VCV000912975.7), dbSNP rs709610, ClinGen allele CA10363254.